The following is an entry in ClinVar:

ClinVar aggregate classification (germline): Uncertain significance (1 of 4 stars; one submission).

Conditions:
Zellweger spectrum disorders (ZS). Also called: Zellweger Spectrum Disorder; Zellweger Spectrum; Zellweger Spectrum Disorder (ZSD); Zellweger syndrome. Identifiers: Orphanet 912, MedGen C0043459, MONDO:0019609.

Submission:

Labcorp Genetics (formerly Invitae), Labcorp
Classification: Uncertain significance for Zellweger spectrum disorders. Last evaluated: 2024-04-05. Review status: criteria provided, single submitter. Criteria: Invitae Variant Classification Sherloc (09022015). Collection method: clinical testing. Allele origin: germline.
Comment: This sequence change replaces proline, which is neutral and non-polar, with arginine, which is basic and polar, at codon 294 of the PEX1 protein (p.Pro294Arg). This variant is not present in population databases (gnomAD no frequency). This variant has not been reported in the literature in individuals affected with PEX1-related conditions. ClinVar contains an entry for this variant (Variation ID: 2124180). Advanced modeling of protein sequence and biophysical properties (such as structural, functional, and spatial information, amino acid conservation, physicochemical variation, residue mobility, and thermodynamic stability) performed at Invitae indicates that this missense variant is not expected to disrupt PEX1 protein function with a negative predictive value of 80%. In summary, the available evidence is currently insufficient to determine the role of this variant in disease. Therefore, it has been classified as a Variant of Uncertain Significance.

NM_000466.3(PEX1):c.881C>G (p.Pro294Arg)

Gene: PEX1 (peroxisomal biogenesis factor 1; minus strand). Cytogenetic location: 7q21.2.
Variant type: single nucleotide variant.
Coding change: c.881C>G on transcript NM_000466.3 (MANE Select); coding-DNA position 881, C replaced by G.
Protein change: p.Pro294Arg; replaces proline 294 with arginine.
Molecular consequence: missense variant.
Genome position (GRCh38, 1-based): chr7:92,517,634, G>C on the plus strand (C>G on the coding strand, the complement: PEX1 is on the minus strand). VCF-style: chr7-92517634-G-C. GRCh37 (hg19) VCF-style: chr7-92146948-G-C.
Other names: c.881C>G, p.Pro294Arg (NM_001282677.2); c.257C>G, p.Pro86Arg (NM_001282678.2); short protein forms P294R, P86R.
Identifiers: ClinVar variation 2124180 (VCV002124180.4), dbSNP rs1420491340, ClinGen allele CA368199239.